The following is an entry in ClinVar:

NM_001267550.2(TTN):c.65729T>C (p.Ile21910Thr)

Genes: TTN-AS1 (TTN antisense RNA 1; plus strand), TTN (titin; minus strand). Cytogenetic location: 2q31.2.
Variant type: single nucleotide variant.
Coding change: c.65729T>C on transcript NM_001267550.2 (MANE Select); coding-DNA position 65729, T replaced by C.
Protein change: p.Ile21910Thr; replaces isoleucine 21910 with threonine.
Molecular consequence: missense variant. On other transcripts: non-coding transcript variant (1).
Genome position (GRCh38, 1-based): chr2:178,583,074, A>G on the plus strand (T>C on the coding strand, the complement: TTN is on the minus strand). VCF-style: chr2-178583074-A-G. GRCh37 (hg19) VCF-style: chr2-179447801-A-G.
Other names: p.I20269T:ATA>ACA; c.60806T>C, p.Ile20269Thr (NM_001256850.1); c.38534T>C, p.Ile12845Thr (NM_003319.4); c.58025T>C, p.Ile19342Thr (NM_133378.4); c.38909T>C, p.Ile12970Thr (NM_133432.3); c.39110T>C, p.Ile13037Thr (NM_133437.4); short protein forms I19342T, I21910T, I20269T, I12845T, I13037T, I12970T.
Identifiers: ClinVar variation 179042 (VCV000179042.42), dbSNP rs146941600, ClinGen allele CA183594.

ClinVar aggregate classification (germline): Conflicting classifications of pathogenicity. Review status: criteria provided, conflicting classifications (1 of 4 stars). 19 submissions from 15 submitters: Uncertain significance (4); Benign (4); Likely benign (5). 6 of the submissions do not count toward it. Last evaluated 2026-02-04.

Conditions:
TTN-related disorder. Also called: TTN-related condition; TTN-related disease; TTN-related disorders.
Cardiovascular phenotype. Identifiers: MedGen CN230736.
Dilated cardiomyopathy 1G (CMD1G). Identifiers: Orphanet 154, MedGen C1858763, MONDO:0011400, OMIM 604145.
Autosomal recessive limb-girdle muscular dystrophy type 2J (LGMDR10). Also called: Limb-girdle muscular dystrophy, type 2J; MUSCULAR DYSTROPHY, LIMB-GIRDLE, AUTOSOMAL RECESSIVE 10. Identifiers: Orphanet 140922, MedGen C1837342, MONDO:0012127, OMIM 608807.
Cardiomyopathy (CMYO). Also called: Cardiomyopathies. Identifiers: Orphanet 167848, MedGen C0878544, MONDO:0004994, HP:0001638. Inheritance: Various modes of inheritance.
Early-onset myopathy with fatal cardiomyopathy (CMYO5). Also called: Salih Myopathy; CONGENITAL MYOPATHY 5 WITH CARDIOMYOPATHY. Identifiers: Orphanet 289377, MedGen C2673677, MONDO:0012714, OMIM 611705. Disease mechanism: loss of function.
Tibial muscular dystrophy (TMD). Also called: Udd Distal Myopathy – Tibial Muscular Dystrophy; UDD MYOPATHY; Tibial muscular dystrophy, tardive. Identifiers: Orphanet 609, MedGen C1838244, MONDO:0010870, OMIM 600334.
Myopathy, myofibrillar, 9, with early respiratory failure (MFM9). Also called: MYOPATHY, PROXIMAL, WITH EARLY RESPIRATORY MUSCLE INVOLVEMENT; Hereditary myopathy with early respiratory failure; Myopathy, distal, with early respiratory failure, autosomal dominant; EDSTROM MYOPATHY. Identifiers: Orphanet 34521, MedGen C1863599, MONDO:0011362, OMIM 603689, Orphanet 178464.
Primary dilated cardiomyopathy (DCM). Also called: Dilated Cardiomyopathy. Identifiers: Orphanet 217604, MedGen C0007193, MeSH D002311, MONDO:0005021, HP:0001644. Inheritance: Various modes of inheritance.

Allele frequency attached by ClinVar (database versions not stated): gnomAD exomes 0.00020; ExAC 0.00022; TOPMed 0.00024; gnomAD 0.00025 and 0.00028; 1000 Genomes Project 0.00040; 1000 Genomes Project 30x 0.00047.

Submissions (19):

Labcorp Genetics (formerly Invitae), Labcorp
Classification: Likely benign for Dilated cardiomyopathy 1G; Autosomal recessive limb-girdle muscular dystrophy type 2J. Last evaluated: 2026-02-04. Review status: criteria provided, single submitter. Criteria: Invitae Variant Classification Sherloc (09022015). Collection method: clinical testing. Allele origin: germline.

Women's Health and Genetics/Laboratory Corporation of America, LabCorp
Classification: Likely benign. Last evaluated: 2025-09-30. Review status: criteria provided, single submitter. Criteria: LabCorp Variant Classification Summary - May 2015. Collection method: clinical testing. Allele origin: germline.
Comment: Variant summary: TTN c.58025T>C (p.Ile19342Thr) results in a non-conservative amino acid change located in the A-band domain of the encoded protein sequence. Algorithms developed to predict the effect of missense changes on protein structure and function are either unavailable or do not agree on the potential impact of this missense change. The variant allele was found at a frequency of 0.0002 in 244746 control chromosomes, predominantly at a frequency of 0.0022 within the East Asian subpopulation in the gnomAD database, including 1 homozygotes. The observed variant frequency within East Asian control individuals in the gnomAD database exceeds the estimated maximal expected allele frequency for disease-causing variants in TTN. To our knowledge, no occurrence of c.58025T>C in individuals affected with TTN-related conditions and no experimental evidence demonstrating its impact on protein function have been reported. ClinVar contains an entry for this variant (Variation ID: 179042). Based on the evidence outlined above, the variant was classified as likely benign.

Blueprint Genetics
Classification: Likely benign. Last evaluated: 2024-11-25. Review status: criteria provided, single submitter. Criteria: ACMG Guidelines, 2015. Collection method: clinical testing. Allele origin: germline.

Ambry Genetics
Classification: Benign for Cardiovascular phenotype. Last evaluated: 2020-05-14. Review status: criteria provided, single submitter. Criteria: Ambry Variant Classification Scheme 2023. Collection method: clinical testing. Allele origin: germline.

CHEO Genetics Diagnostic Laboratory, Children's Hospital of Eastern Ontario
Classification: Benign for Cardiomyopathy. Last evaluated: 2018-03-12. Review status: criteria provided, single submitter. Criteria: ACMG Guidelines, 2015. Collection method: clinical testing. Allele origin: germline.

Illumina Laboratory Services, Illumina
Classification: Uncertain significance for Dilated cardiomyopathy 1G. Last evaluated: 2018-01-12. Review status: criteria provided, single submitter. Criteria: ICSL Variant Classification Criteria 13 December 2019. Collection method: clinical testing. Allele origin: germline.

Illumina Laboratory Services, Illumina
Classification: Benign for Myopathy, myofibrillar, 9, with early respiratory failure. Last evaluated: 2018-01-12. Review status: criteria provided, single submitter. Criteria: ICSL Variant Classification Criteria 13 December 2019. Collection method: clinical testing. Allele origin: germline.
Comment: This variant was observed in the ICSL laboratory as part of a predisposition screen in an ostensibly healthy population. It had not been previously curated by ICSL or reported in the Human Gene Mutation Database (HGMD: prior to June 1st, 2018), and was therefore a candidate for classification through an automated scoring system. Utilizing variant allele frequency, disease prevalence and penetrance estimates, and inheritance mode, an automated score was calculated to assess if this variant is too frequent to cause the disease. Based on the score and internal cut-off values, a variant classified as benign is not then subjected to further curation. The score for this variant resulted in a classification of benign for this disease.

Illumina Laboratory Services, Illumina
Classification: Uncertain significance for Autosomal recessive limb-girdle muscular dystrophy type 2J. Last evaluated: 2018-01-12. Review status: criteria provided, single submitter. Criteria: ICSL Variant Classification Criteria 13 December 2019. Collection method: clinical testing. Allele origin: germline.

Illumina Laboratory Services, Illumina
Classification: Uncertain significance for Early-onset myopathy with fatal cardiomyopathy. Last evaluated: 2018-01-12. Review status: criteria provided, single submitter. Criteria: ICSL Variant Classification Criteria 13 December 2019. Collection method: clinical testing. Allele origin: germline.

Illumina Laboratory Services, Illumina
Classification: Benign for Tibial muscular dystrophy. Last evaluated: 2018-01-12. Review status: criteria provided, single submitter. Criteria: ICSL Variant Classification Criteria 13 December 2019. Collection method: clinical testing. Allele origin: germline.
Comment: the same text as in the submission from Illumina Laboratory Services, Illumina above.

Eurofins Ntd Llc (ga)
Classification: Uncertain significance. Last evaluated: 2016-01-04. Review status: criteria provided, single submitter. Criteria: EGL Classification Definitions 2015. Collection method: clinical testing. Allele origin: germline. Observed: 6 variant alleles, 5 heterozygotes, 1 homozygote.

Laboratory for Molecular Medicine, Mass General Brigham Personalized Medicine
Classification: Likely benign. Last evaluated: 2015-03-23. Review status: criteria provided, single submitter. Criteria: LMM Criteria. Collection method: clinical testing. Allele origin: germline. Observed: 2 variant alleles.
Comment: p.Ile19342Thr in exon 262 of TTN: This variant is not expected to have clinical significance because it has been identified in 0.3% (22/7606) of East Asian chro mosomes, including 2 homozygotes, by the Exome Aggregation Consortium (ExAC; dbSNP rs146941600).

Genetics and Genomics Program, Sidra Medicine
Classification: Likely benign for Primary dilated cardiomyopathy. Review status: criteria provided, single submitter. Criteria: ACMG Guidelines, 2015. Collection method: research. Allele origin: unknown. Affected: yes. Observed: 1 variant allele.

PreventionGenetics, part of Exact Sciences
Classification: Likely benign for TTN-related condition. Last evaluated: 2020-10-20. Review status: no assertion criteria provided. Collection method: clinical testing. Allele origin: germline. Not counted in ClinVar's aggregate classification.
Comment: This variant is classified as likely benign based on ACMG/AMP sequence variant interpretation guidelines (Richards et al. 2015 PMID: 25741868, with internal and published modifications).

GeneDx
No classification provided. Last evaluated: 2014-07-10. Review status: no classification provided. Criteria: GeneDx Variant Classification (06012015). Collection method: clinical testing. Allele origin: germline. Affected: yes. Not counted in ClinVar's aggregate classification.
Comment: Missense variants in the TTN gene are considered 'unclassified' if they are not previously reported in the literature and do not have >1% frequency in the population to be considered a polymorphism. Research indicates that truncating mutations in the TTN gene are expected to account for approximately 25% of familial and 18% of sporadic idiopathic DCM; however, truncating variants in the TTN gene have been reported in approximately 3% of reported control alleles. There has been little investigation into non-truncating variants. (Herman D et al. Truncations of titin causing dilated cardiomyopathy. N Eng J Med 366:619-628, 2012) The variant is found in CARDIOMYOPATHY panel(s).

Clinical Genetics DNA and cytogenetics Diagnostics Lab, Erasmus MC, Erasmus Medical Center
Classification: Likely benign. Review status: no assertion criteria provided. Collection method: clinical testing. Allele origin: germline. Affected: yes. Study: VKGL Data-share Consensus. Not counted in ClinVar's aggregate classification.

Clinical Genetics, Academic Medical Center
Classification: Benign. Review status: no assertion criteria provided. Collection method: clinical testing. Allele origin: germline. Affected: yes. Study: VKGL Data-share Consensus. Not counted in ClinVar's aggregate classification.

Diagnostic Laboratory, Department of Genetics, University Medical Center Groningen
Classification: Likely benign. Review status: no assertion criteria provided. Collection method: clinical testing. Allele origin: germline. Affected: yes. Study: VKGL Data-share Consensus. Not counted in ClinVar's aggregate classification.

Joint Genome Diagnostic Labs from Nijmegen and Maastricht, Radboudumc and MUMC+
Classification: Likely benign. Review status: no assertion criteria provided. Collection method: clinical testing. Allele origin: germline. Affected: yes. Study: VKGL Data-share Consensus. Not counted in ClinVar's aggregate classification.